The following is an entry in ClinVar:

ClinVar aggregate classification (germline): Uncertain significance (1 of 4 stars; one submission).

Conditions:
ABCB4-related disorder. Also called: ABCB4-related disorders; ABCB4-related condition.

Submission:

PreventionGenetics, part of Exact Sciences
Classification: Uncertain significance for ABCB4-related condition. Last evaluated: 2026-02-27. Review status: criteria provided, single submitter. Criteria: ACMG Guidelines, 2015. Collection method: clinical testing. Allele origin: germline.
Comment: The ABCB4 c.1352G>C variant is predicted to result in the amino acid substitution p.Gly451Ala. To our knowledge, this variant has not been reported in the literature or in a large population database (gnomAD), indicating this variant is rare. At this time, the clinical significance of this variant is uncertain due to the absence of conclusive functional and genetic evidence.

NM_000443.4(ABCB4):c.1352G>C (p.Gly451Ala)

Gene: ABCB4 (ATP binding cassette subfamily B member 4; minus strand). Cytogenetic location: 7q21.12.
Variant type: single nucleotide variant.
Coding change: c.1352G>C on transcript NM_000443.4 (MANE Select); coding-DNA position 1352, G replaced by C.
Protein change: p.Gly451Ala; replaces glycine 451 with alanine.
Molecular consequence: missense variant.
Genome position (GRCh38, 1-based): chr7:87,443,323, C>G on the plus strand (G>C on the coding strand, the complement: ABCB4 is on the minus strand). VCF-style: chr7-87443323-C-G. GRCh37 (hg19) VCF-style: chr7-87072639-C-G.
Other names: c.1352G>C, p.Gly451Ala (NM_018849.3, NM_018850.3); short protein forms G451A.
Identifiers: ClinVar variation 4982941 (VCV004982941.1).